The following is an entry in ClinVar:

NM_000260.4(MYO7A):c.6615G>A (p.Met2205Ile)

Gene: MYO7A (myosin VIIA; plus strand). Cytogenetic location: 11q13.5.
Variant type: single nucleotide variant.
Coding change: c.6615G>A on transcript NM_000260.4 (MANE Select); coding-DNA position 6615, G replaced by A.
Protein change: p.Met2205Ile; replaces methionine 2205 with isoleucine.
Molecular consequence: missense variant.
Genome position (GRCh38, 1-based): chr11:77,214,663, G>A. VCF-style: chr11-77214663-G-A. GRCh37 (hg19) VCF-style: chr11-76925708-G-A.
Other names: c.6495G>A, p.Met2165Ile (NM_001127180.2); c.6468G>A, p.Met2156Ile (NM_001369365.1); short protein forms M2205I, M2165I, M2156I.
Identifiers: ClinVar variation 164726 (VCV000164726.19), dbSNP rs200359303, ClinGen allele CA177397.

ClinVar aggregate classification (germline): Conflicting classifications of pathogenicity. Review status: criteria provided, conflicting classifications (1 of 4 stars). 4 submissions from 4 submitters: Uncertain significance (3); Likely benign (1). Last evaluated 2025-12-30.

Allele frequency attached by ClinVar (database versions not stated): 1000 Genomes Project 30x 0.00016; 1000 Genomes Project 0.00020; ESP Exome Variant Server 0.00032; gnomAD 0.00035 and 0.00036; TOPMed 0.00042.
gnomAD v4.1: 159 of 1,588,180 alleles (0.01%); highest among the groups gnomAD compares: African/African-American, 0.19%; 1 homozygote.

Submissions (4):

Labcorp Genetics (formerly Invitae), Labcorp
Classification: Likely benign. Last evaluated: 2025-12-30. Review status: criteria provided, single submitter. Criteria: Invitae Variant Classification Sherloc (09022015). Collection method: clinical testing. Allele origin: germline.

Blueprint Genetics
Classification: Uncertain significance. Last evaluated: 2022-09-05. Review status: criteria provided, single submitter. Criteria: ACMG Guidelines, 2015. Collection method: clinical testing. Allele origin: germline.

GeneDx
Classification: Uncertain significance. Last evaluated: 2020-02-25. Review status: criteria provided, single submitter. Criteria: GeneDx Variant Classification Process June 2021. Collection method: clinical testing. Allele origin: germline. Affected: yes.
Comment: In silico analysis, which includes protein predictors and evolutionary conservation, supports that this variant does not alter protein structure/function; Has not been previously published as pathogenic or benign to our knowledge

Laboratory for Molecular Medicine, Mass General Brigham Personalized Medicine
Classification: Uncertain significance. Last evaluated: 2013-09-08. Review status: criteria provided, single submitter. Criteria: LMM Criteria. Collection method: clinical testing. Allele origin: germline. Observed: 1 variant allele.
Comment: Variant classified as Uncertain Significance - Favor Benign. The Met2205Ile vari ant in MYO7A has not been reported in individuals with hearing loss, but has bee n identified in 0.1% (4/4072) of African American chromosomes by the NHLBI Exome Sequencing Project (dbSNP rs200359303). Alth ough this variant has been seen in the general population, its frequency is not high enough to rule out a pathogenic role. Computational analyses (biochemical a mino acid properties, conservation, AlignGVGD, PolyPhen2, and SIFT) suggest that the Met2205Ile variant may not impact the protein, though this information is n ot predictive enough to rule out pathogenicity. In summary, the clinical signifi cance of this variant cannot be determined with certainty; however based upon th e computational data and the presence of the variant in the general population, we would lean towards a more likely benign role.